The following is an entry in ClinVar:

ClinVar aggregate classification (germline): Uncertain significance (1 of 4 stars; one submission).

Submission:

GeneDx
Classification: Uncertain significance. Last evaluated: 2023-07-03. Review status: criteria provided, single submitter. Criteria: GeneDx Variant Classification Process June 2021. Collection method: clinical testing. Allele origin: germline. Affected: yes.
Comment: Frameshift variant predicted to result in protein truncation or nonsense mediated decay in a gene or region of a gene for which loss of function is not a well-established mechanism of disease; Not observed at significant frequency in large population cohorts (gnomAD); Has not been previously published as pathogenic or benign to our knowledge

NM_001378974.1(FBXW11):c.910_914dup (p.Cys306fs)

Gene: FBXW11 (F-box and WD repeat domain containing 11; minus strand). Cytogenetic location: 5q35.1.
Variant type: Duplication.
Coding change: c.910_914dup on transcript NM_001378974.1 (MANE Select); coding-DNA positions 910 to 914, 5 bases duplicated (GTCCT; older notation c.910_914dupGTCCT).
Protein change: p.Cys306fs; shifts the reading frame from cysteine 306.
Molecular consequence: frameshift variant.
Genome position (GRCh38, 1-based): chr5:171,878,068-171,878,072, AGGAC duplicated on the plus strand (GTCCT on the coding strand, the reverse complement: FBXW11 is on the minus strand); duplicating any 5 consecutive bases within chr5:171,878,068-171,878,074 gives the same sequence; the c. name uses the placement nearest the transcript's 3' end. VCF-style (leftmost placement, unchanged base first): chr5-171878067-G-GAGGAC. GRCh37 (hg19) VCF-style: chr5-171305071-G-GAGGAC.
Other names: c.841_845dup, p.Cys283fs (NM_001378975.1); c.814_818dup, p.Cys274fs (NM_001378976.1); c.751_755dup, p.Cys253fs (NM_001378977.1, NM_001378978.1, NM_001378979.1); c.745_749dup, p.Cys251fs (NM_001378980.1, NM_033645.3); c.847_851dup, p.Cys285fs (NM_012300.3); c.808_812dup, p.Cys272fs (NM_033644.3); short protein forms C251fs, C253fs, C272fs, C274fs, C283fs, C285fs, C306fs.
Identifiers: ClinVar variation 3360777 (VCV003360777.1).